The following is an entry in ClinVar:

ClinVar aggregate classification (germline): Pathogenic (1 of 4 stars; one submission).

Conditions:
Autosomal dominant epilepsy with auditory features. Identifiers: Orphanet 101046, MedGen C1838062, MONDO:0010898.

Submission:

Labcorp Genetics (formerly Invitae), Labcorp
Classification: Pathogenic for Autosomal dominant epilepsy with auditory features. Last evaluated: 2024-04-16. Review status: criteria provided, single submitter. Criteria: Invitae Variant Classification Sherloc (09022015). Collection method: clinical testing. Allele origin: germline.
Comment: This sequence change creates a premature translational stop signal (p.Lys139Serfs*3) in the LGI1 gene. It is expected to result in an absent or disrupted protein product. Loss-of-function variants in LGI1 are known to be pathogenic (PMID: 24206907). This variant is not present in population databases (gnomAD no frequency). This variant has not been reported in the literature in individuals affected with LGI1-related conditions. For these reasons, this variant has been classified as Pathogenic.

Literature cited by the submitters: PubMed 24206907.

NM_005097.4(LGI1):c.416del (p.Lys139fs)

Gene: LGI1 (leucine rich glioma inactivated 1; plus strand). Cytogenetic location: 10q23.33.
Variant type: Deletion.
Coding change: c.416del on transcript NM_005097.4 (MANE Select); coding-DNA position 416, one base deleted (A; older notation c.416delA).
Protein change: p.Lys139fs; shifts the reading frame from lysine 139.
Molecular consequence: frameshift variant. On other transcripts: intron variant (1).
Genome position (GRCh38, 1-based): chr10:93,777,602, A deleted; the last of 3 consecutive A bases (chr10:93,777,600-93,777,602); deleting any one gives the same sequence. VCF-style (leftmost placement, unchanged base first): chr10-93777599-TA-T. GRCh37 (hg19) VCF-style: chr10-95537356-TA-T.
Other names: c.416del, p.Lys139fs (NM_001308275.2); c.288-12497del (NM_001308276.2); short protein forms K139fs.
Identifiers: ClinVar variation 2839772 (VCV002839772.3), dbSNP rs2492860700, ClinGen allele CA2739275928.